The following is an entry in ClinVar:

ClinVar aggregate classification (germline): Likely pathogenic (1 of 4 stars; one submission).

Conditions:
X-linked Alport syndrome (ATS1). Also called: NEPHROPATHY AND DEAFNESS, X-LINKED; COL4A5-Related Nephropathy. Identifiers: Orphanet 63, Orphanet 88917, MedGen C4746986, MONDO:0010520, OMIM 301050.

Submission:

Illumina Laboratory Services, Illumina
Classification: Likely pathogenic for X-linked Alport syndrome. Last evaluated: 2023-06-15. Review status: criteria provided, single submitter. Criteria: ICSLVariantClassificationCriteria RUGD 01 April 2020. Collection method: clinical testing. Allele origin: unknown.
Comment: The COL4A5 c.3053G>T (p.Gly1018Val) missense variant, has not, to our knowledge, been reported in the peer reviewed literature. However, a different amino acid substitution at the same codon, p.Gly1018Asp, has been reported in three individuals with Alport syndrome including in two siblings (PMIDs: 33040356;24304881). This variant is not found in version 2.1.1 or version 3.1.2 of the Genome Aggregation Database. The p.Gly1018Val variant lies within the triple helix domain disrupting a highly conserved Gly-Xaa-Yaa repeat motif (PMID: 20301386). Multiple lines of computational evidence suggest the variant may impact the gene or gene product. Based on the collective evidence, the c.3053G>T (p.Gly1018Val) variant is classified as likely pathogenic for Alport syndrome.

Literature cited by the submitters: PubMed 24304881; PubMed 33040356; PubMed 20301386.

NM_033380.3(COL4A5):c.3053G>T (p.Gly1018Val)

Gene: COL4A5 (collagen type IV alpha 5 chain; plus strand). Cytogenetic location: Xq22.3.
Variant type: single nucleotide variant.
Coding change: c.3053G>T on transcript NM_033380.3 (MANE Select); coding-DNA position 3053, G replaced by T.
Protein change: p.Gly1018Val; replaces glycine 1018 with valine.
Molecular consequence: missense variant.
Genome position (GRCh38, 1-based): chrX:108,625,741, G>T. VCF-style: chrX-108625741-G-T. GRCh37 (hg19) VCF-style: chrX-107868971-G-T.
Other names: c.3053G>T, p.Gly1018Val (NM_000495.5); short protein forms G1018V.
Identifiers: ClinVar variation 2627907 (VCV002627907.1), dbSNP rs1569498896, ClinGen allele CA413854587.
Genomic context (GRCh38, chrX:108,625,741, plus strand): 5'-ATTTTACCAATTTGACCTTTCTAGGTCCCAAAGGTAACCCTGGTCTCCCTGGACAGCCAG[G>T]TCTTATAGGACCTCCTGGACTTAAAGGAACCATCGGTGATATGGGTTTTCCAGGTGAGTG-3'
Protein context (NP_203699.1, residues 1008-1028): KGNPGLPGQP[Gly1018Val]LIGPPGLKGT